The following is an entry in ClinVar:

NM_001283009.2(RTEL1):c.1885G>A (p.Glu629Lys)

Genes: RTEL1 (regulator of telomere elongation helicase 1; plus strand), RTEL1-TNFRSF6B (RTEL1-TNFRSF6B readthrough (NMD candidate); plus strand). Cytogenetic location: 20q13.33.
Variant type: single nucleotide variant.
Coding change: c.1885G>A on transcript NM_001283009.2 (MANE Select); coding-DNA position 1885, G replaced by A.
Protein change: p.Glu629Lys; replaces glutamic acid 629 with lysine.
Molecular consequence: missense variant. On other transcripts: non-coding transcript variant (1).
Genome position (GRCh38, 1-based): chr20:63,689,508, G>A. VCF-style: chr20-63689508-G-A. GRCh37 (hg19) VCF-style: chr20-62320861-G-A.
Other names: c.1216G>A, p.Glu406Lys (NM_001283010.1); c.1885G>A, p.Glu629Lys (NM_016434.4); c.1957G>A, p.Glu653Lys (NM_032957.5); short protein forms E406K, E629K, E653K.
Identifiers: ClinVar variation 2939112 (VCV002939112.4), dbSNP rs766112578, ClinGen allele CA9965073.

ClinVar aggregate classification (germline): Uncertain significance. Review status: criteria provided, multiple submitters, no conflicts (2 of 4 stars). 2 submissions from 2 submitters: Uncertain significance (2). Last evaluated 2024-12-07.

Conditions:
Pulmonary fibrosis and/or bone marrow failure, Telomere-related, 3. Also called: PULMONARY FIBROSIS AND/OR BONE MARROW FAILURE SYNDROME, TELOMERE-RELATED, 3. Identifiers: Orphanet 2032, MedGen C4225346, MONDO:0014613, OMIM 616373.
Dyskeratosis congenita, autosomal recessive 5 (DKCB5). Identifiers: MedGen C3554656, MONDO:0014076, OMIM 615190.
Inborn genetic diseases. Identifiers: MedGen C0950123, MeSH D030342.

Allele frequency attached by ClinVar (database versions not stated): TOPMed below 0.00001; gnomAD 0.00001; gnomAD exomes 0.00001; ExAC 0.00004.
gnomAD v4.1: 10 of 1,600,052 alleles (0.00062%); highest among the groups gnomAD compares: South Asian, 0.0034%; no homozygotes.

Submissions (2):

Ambry Genetics
Classification: Uncertain significance for Inborn genetic diseases. Last evaluated: 2024-12-07. Review status: criteria provided, single submitter. Criteria: Ambry Variant Classification Scheme 2023. Collection method: clinical testing. Allele origin: germline.
Comment: The p.E629K variant (also known as c.1885G>A), located in coding exon 22 of the RTEL1 gene, results from a G to A substitution at nucleotide position 1885. The glutamic acid at codon 629 is replaced by lysine, an amino acid with similar properties. This amino acid position is conserved. In addition, this alteration is predicted to be deleterious by in silico analysis. Based on the available evidence, the clinical significance of this variant remains unclear.

Labcorp Genetics (formerly Invitae), Labcorp
Classification: Uncertain significance for Dyskeratosis congenita, autosomal recessive 5; Pulmonary fibrosis and/or bone marrow failure, Telomere-related, 3. Last evaluated: 2023-03-10. Review status: criteria provided, single submitter. Criteria: Invitae Variant Classification Sherloc (09022015). Collection method: clinical testing. Allele origin: germline.
Comment: In summary, the available evidence is currently insufficient to determine the role of this variant in disease. Therefore, it has been classified as a Variant of Uncertain Significance. An algorithm developed to predict the effect of missense changes on protein structure and function (PolyPhen-2) suggests that this variant is likely to be disruptive. This variant has not been reported in the literature in individuals affected with RTEL1-related conditions. This variant is present in population databases (rs766112578, gnomAD 0.007%). This sequence change replaces glutamic acid, which is acidic and polar, with lysine, which is basic and polar, at codon 629 of the RTEL1 protein (p.Glu629Lys).